The following is an entry in ClinVar:

ClinVar aggregate classification (germline): Uncertain significance. Review status: criteria provided, multiple submitters, no conflicts (2 of 4 stars). 2 submissions from 2 submitters: Uncertain significance (2). Last evaluated 2025-12-02.

Conditions:
Inborn genetic diseases. Identifiers: MedGen C0950123, MeSH D030342.
Fanconi anemia (FA). Also called: Fanconi's anemia. Identifiers: Orphanet 84, MedGen C0015625, MeSH D005199, MONDO:0019391.

Allele frequency attached by ClinVar (database versions not stated): gnomAD 0.00004; TOPMed 0.00007.
gnomAD v4.1: 36 of 1,613,234 alleles (0.0022%); highest among the groups gnomAD compares: Middle Eastern, 0.016%; no homozygotes.

Submissions (2):

Ambry Genetics
Classification: Uncertain significance for Inborn genetic diseases. Last evaluated: 2025-12-02. Review status: criteria provided, single submitter. Criteria: Ambry Variant Classification Scheme 2023. Collection method: clinical testing. Allele origin: germline.

Labcorp Genetics (formerly Invitae), Labcorp
Classification: Uncertain significance for Fanconi anemia. Last evaluated: 2025-07-14. Review status: criteria provided, single submitter. Criteria: Invitae Variant Classification Sherloc (09022015). Collection method: clinical testing. Allele origin: germline.
Comment: This sequence change replaces asparagine, which is neutral and polar, with serine, which is neutral and polar, at codon 601 of the FANCD2 protein (p.Asn601Ser). This variant is present in population databases (no rsID available, gnomAD 0.006%). This variant has not been reported in the literature in individuals affected with FANCD2-related conditions. ClinVar contains an entry for this variant (Variation ID: 969993). Invitae Evidence Modeling of protein sequence and biophysical properties (such as structural, functional, and spatial information, amino acid conservation, physicochemical variation, residue mobility, and thermodynamic stability) indicates that this missense variant is not expected to disrupt FANCD2 protein function with a negative predictive value of 80%. In summary, the available evidence is currently insufficient to determine the role of this variant in disease. Therefore, it has been classified as a Variant of Uncertain Significance.

NM_001018115.3(FANCD2):c.1802A>G (p.Asn601Ser)

Genes: FANCD2 (FA complementation group D2; plus strand), LOC107303338 (3p25 FANCD2 Alu-mediated recombination region; plus strand). Cytogenetic location: 3p25.3.
Variant type: single nucleotide variant.
Coding change: c.1802A>G on transcript NM_001018115.3 (MANE Select); coding-DNA position 1802, A replaced by G.
Protein change: p.Asn601Ser; replaces asparagine 601 with serine.
Molecular consequence: missense variant.
Genome position (GRCh38, 1-based): chr3:10,062,186, A>G. VCF-style: chr3-10062186-A-G. GRCh37 (hg19) VCF-style: chr3-10103870-A-G.
Other names: c.1802A>G, p.Asn601Ser (NM_001319984.2, NM_001374254.1, NM_033084.6); c.1691A>G, p.Asn564Ser (NM_001374253.1); short protein forms N564S, N601S.
Identifiers: ClinVar variation 969993 (VCV000969993.6), dbSNP rs955122662, ClinGen allele CA70012795.